The following is an entry in ClinVar:

ClinVar aggregate classification (germline): Uncertain significance (1 of 4 stars; one submission).

Submission:

Labcorp Genetics (formerly Invitae), Labcorp
Classification: Uncertain significance. Last evaluated: 2022-07-03. Review status: criteria provided, single submitter. Criteria: Invitae Variant Classification Sherloc (09022015). Collection method: clinical testing. Allele origin: germline.
Comment: This sequence change replaces serine, which is neutral and polar, with threonine, which is neutral and polar, at codon 289 of the HPS4 protein (p.Ser289Thr). This variant is not present in population databases (gnomAD no frequency). This variant has not been reported in the literature in individuals affected with HPS4-related conditions. Algorithms developed to predict the effect of missense changes on protein structure and function output the following: SIFT: "Tolerated"; PolyPhen-2: "Benign"; Align-GVGD: "Class C0". The threonine amino acid residue is found in multiple mammalian species, which suggests that this missense change does not adversely affect protein function. In summary, the available evidence is currently insufficient to determine the role of this variant in disease. Therefore, it has been classified as a Variant of Uncertain Significance.

NM_022081.6(HPS4):c.866G>C (p.Ser289Thr)

Gene: HPS4 (HPS4 biogenesis of lysosomal organelles complex 3 subunit 2; minus strand). Cytogenetic location: 22q12.1.
Variant type: single nucleotide variant.
Coding change: c.866G>C on transcript NM_022081.6 (MANE Select); coding-DNA position 866, G replaced by C.
Protein change: p.Ser289Thr; replaces serine 289 with threonine.
Molecular consequence: missense variant. On other transcripts: non-coding transcript variant (8).
Genome position (GRCh38, 1-based): chr22:26,464,764, C>G on the plus strand (G>C on the coding strand, the complement: HPS4 is on the minus strand). VCF-style: chr22-26464764-C-G. GRCh37 (hg19) VCF-style: chr22-26860730-C-G.
Other names: c.866G>C, p.Ser289Thr (NM_001349896.1, NM_001349898.2, NM_001349899.2 and 5 more transcripts); c.920G>C, p.Ser307Thr (NM_001349900.2, NM_001349901.1); c.851G>C, p.Ser284Thr (NM_152841.2); short protein forms S284T, S307T, S289T.
Identifiers: ClinVar variation 2013667 (VCV002013667.4), dbSNP rs1391331319, ClinGen allele CA411028662.